The following is an entry in ClinVar:

NM_033131.4(WNT3A):c.800C>A (p.Thr267Lys)

Gene: WNT3A (Wnt family member 3A; plus strand). Cytogenetic location: 1q42.13.
Variant type: single nucleotide variant.
Coding change: c.800C>A on transcript NM_033131.4 (MANE Select); coding-DNA position 800, C replaced by A.
Protein change: p.Thr267Lys; replaces threonine 267 with lysine.
Molecular consequence: missense variant.
Genome position (GRCh38, 1-based): chr1:228,059,206, C>A. VCF-style: chr1-228059206-C-A. GRCh37 (hg19) VCF-style: chr1-228246907-C-A.
Other names: short protein forms T267K.
Identifiers: ClinVar variation 2870329 (VCV002870329.3), dbSNP rs1352290312, ClinGen allele CA345336937.
Genomic context (GRCh38, chr1:228,059,206, plus strand): 5'-GGGAGTCCCGCGGCTGGGTGGAGACCCTGCGGCCGCGCTACACCTACTTCAAGGTGCCCA[C>A]GGAGCGCGACCTGGTCTACTACGAGGCCTCGCCCAACTTCTGCGAGCCCAACCCTGAGAC-3'
Protein context (NP_149122.1, residues 257-277): RPRYTYFKVP[Thr267Lys]ERDLVYYEAS

ClinVar aggregate classification (germline): Uncertain significance (1 of 4 stars; one submission).

Allele frequency attached by ClinVar (database versions not stated): gnomAD exomes 0.00001.
gnomAD v4.1: 11 of 1,611,960 alleles (0.00068%); highest among the groups gnomAD compares: Non-Finnish European, 0.00093%; no homozygotes.

Submission:

Labcorp Genetics (formerly Invitae), Labcorp
Classification: Uncertain significance. Last evaluated: 2025-03-20. Review status: criteria provided, single submitter. Criteria: Invitae Variant Classification Sherloc (09022015). Collection method: clinical testing. Allele origin: germline.
Comment: This sequence change replaces threonine, which is neutral and polar, with lysine, which is basic and polar, at codon 267 of the WNT3A protein (p.Thr267Lys). This variant is present in population databases (no rsID available, gnomAD 0.0009%). This variant has not been reported in the literature in individuals affected with WNT3A-related conditions. ClinVar contains an entry for this variant (Variation ID: 2870329). Invitae Evidence Modeling of protein sequence and biophysical properties (such as structural, functional, and spatial information, amino acid conservation, physicochemical variation, residue mobility, and thermodynamic stability) indicates that this missense variant is not expected to disrupt WNT3A protein function with a negative predictive value of 80%. In summary, the available evidence is currently insufficient to determine the role of this variant in disease. Therefore, it has been classified as a Variant of Uncertain Significance.